The following is an entry in ClinVar:

NM_005475.3(SH2B3):c.1525G>C (p.Gly509Arg)

Gene: SH2B3 (SH2B adaptor protein 3; plus strand). Cytogenetic location: 12q24.12.
Variant type: single nucleotide variant.
Coding change: c.1525G>C on transcript NM_005475.3 (MANE Select); coding-DNA position 1525, G replaced by C.
Protein change: p.Gly509Arg; replaces glycine 509 with arginine.
Molecular consequence: missense variant.
Genome position (GRCh38, 1-based): chr12:111,448,099, G>C. VCF-style: chr12-111448099-G-C. GRCh37 (hg19) VCF-style: chr12-111885903-G-C.
Other names: c.919G>C, p.Gly307Arg (NM_001291424.1); short protein forms G307R, G509R.
Identifiers: ClinVar variation 3953520 (VCV003953520.1).
Genomic context (GRCh38, chr12:111,448,099, plus strand): 5'-CTTCCTCACTGGGGTTCAGAGTTGGGCCTTCCCCACCTTAGTTCTTCTGGCTGTCCCCGG[G>C]GGCTCAGCCCAGAGGGTCTCCCAGGGCGATCCTCACCCCCCGAGCAGATCTTCCACCTGG-3'
Protein context (NP_005466.1, residues 499-519): PHLSSSGCPR[Gly509Arg]LSPEGLPGRS

ClinVar aggregate classification (germline): Uncertain significance (1 of 4 stars; one submission).

Conditions:
Inborn genetic diseases. Identifiers: MedGen C0950123, MeSH D030342.

gnomAD v4.1: 3 of 1,613,942 alleles (0.00019%); highest among the groups gnomAD compares: Admixed American, 0.005%; no homozygotes.

Submission:

Ambry Genetics
Classification: Uncertain significance for Inborn genetic diseases. Last evaluated: 2025-05-23. Review status: criteria provided, single submitter. Criteria: Ambry Variant Classification Scheme 2023. Collection method: clinical testing. Allele origin: germline.
Comment: The p.G509R variant (also known as c.1525G>C), located in coding exon 7 of the SH2B3 gene, results from a G to C substitution at nucleotide position 1525. The glycine at codon 509 is replaced by arginine, an amino acid with dissimilar properties. This amino acid position is conserved. In addition, this alteration is predicted to be tolerated by in silico analysis. Based on the available evidence, the clinical significance of this variant remains unclear.